The following is an entry in ClinVar:

NM_203447.4(DOCK8):c.156+29G>A

Gene: DOCK8 (dedicator of cytokinesis 8; plus strand). Cytogenetic location: 9p24.3.
Variant type: single nucleotide variant.
Coding change: c.156+29G>A on transcript NM_203447.4 (MANE Select); 29 bases into the intron after coding-DNA position 156, G replaced by A.
Molecular consequence: intron variant.
Genome position (GRCh38, 1-based): chr9:271,758, G>A. VCF-style: chr9-271758-G-A. GRCh37 (hg19) VCF-style: chr9-271758-G-A.
Identifiers: ClinVar variation 675452 (VCV000675452.1), dbSNP rs114889958, ClinGen allele CA4957107.

ClinVar aggregate classification (germline): Likely benign (1 of 4 stars; one submission).

Allele frequency attached by ClinVar (database versions not stated): gnomAD exomes 0.00028 and 0.00065; ExAC 0.00150; 1000 Genomes Project 30x 0.00172; 1000 Genomes Project 0.00180; gnomAD 0.00291 and 0.00321; TOPMed 0.00322; ESP Exome Variant Server 0.00350.
gnomAD v4.1: 836 of 1,504,270 alleles (0.056%); highest among the groups gnomAD compares: African/African-American, 0.99%; 4 homozygotes.

Submission:

GeneDx
Classification: Likely benign. Last evaluated: 2018-06-16. Review status: criteria provided, single submitter. Criteria: GeneDx Variant Classification (06012015). Collection method: clinical testing. Allele origin: germline. Affected: yes.
Comment: This variant is considered likely benign or benign based on one or more of the following criteria: it is a conservative change, it occurs at a poorly conserved position in the protein, it is predicted to be benign by multiple in silico algorithms, and/or has population frequency not consistent with disease.